The following is an entry in ClinVar:

ClinVar aggregate classification (germline): Uncertain significance. Review status: criteria provided, multiple submitters, no conflicts (2 of 4 stars). 2 submissions from 2 submitters: Uncertain significance (2). Last evaluated 2024-06-24.

Conditions:
Retinoblastoma (RB1). Also called: RETINOBLASTOMA, SOMATIC. Identifiers: Orphanet 790, MedGen C0035335, MeSH D012175, MONDO:0008380, OMIM 180200, HP:0009919. Disease mechanism: loss of function. Inheritance: Both sporadic and heritable forms are tested..

Submissions (2):

Labcorp Genetics (formerly Invitae), Labcorp
Classification: Uncertain significance for Retinoblastoma. Last evaluated: 2024-06-24. Review status: criteria provided, single submitter. Criteria: Invitae Variant Classification Sherloc (09022015). Collection method: clinical testing. Allele origin: germline.
Comment: This sequence change replaces leucine, which is neutral and non-polar, with valine, which is neutral and non-polar, at codon 42 of the RB1 protein (p.Leu42Val). This variant is not present in population databases (gnomAD no frequency). This variant has not been reported in the literature in individuals affected with RB1-related conditions. ClinVar contains an entry for this variant (Variation ID: 802964). Advanced modeling of protein sequence and biophysical properties (such as structural, functional, and spatial information, amino acid conservation, physicochemical variation, residue mobility, and thermodynamic stability) has been performed at Invitae for this missense variant, however the output from this modeling did not meet the statistical confidence thresholds required to predict the impact of this variant on RB1 protein function. In summary, the available evidence is currently insufficient to determine the role of this variant in disease. Therefore, it has been classified as a Variant of Uncertain Significance.

Mendelics
Classification: Uncertain significance for Retinoblastoma. Last evaluated: 2019-05-28. Review status: criteria provided, single submitter. Criteria: Mendelics Assertion Criteria 2017. Collection method: clinical testing. Allele origin: unknown.

NM_000321.3(RB1):c.124C>G (p.Leu42Val)

Gene: RB1 (RB transcriptional corepressor 1; plus strand). Cytogenetic location: 13q14.2.
Variant type: single nucleotide variant.
Coding change: c.124C>G on transcript NM_000321.3 (MANE Select); coding-DNA position 124, C replaced by G.
Protein change: p.Leu42Val; replaces leucine 42 with valine.
Molecular consequence: missense variant.
Genome position (GRCh38, 1-based): chr13:48,304,036, C>G. VCF-style: chr13-48304036-C-G. GRCh37 (hg19) VCF-style: chr13-48878172-C-G.
Other names: short protein forms L42V.
Identifiers: ClinVar variation 802964 (VCV000802964.3), dbSNP rs1312883856, ClinGen allele CA388250380.